The following is an entry in ClinVar:

ClinVar aggregate classification (germline): Pathogenic (1 of 4 stars; one submission).

Submission:

Labcorp Genetics (formerly Invitae), Labcorp
Classification: Pathogenic. Last evaluated: 2024-05-12. Review status: criteria provided, single submitter. Criteria: Invitae Variant Classification Sherloc (09022015). Collection method: clinical testing. Allele origin: germline.
Comment: This sequence change replaces glycine, which is neutral and non-polar, with arginine, which is basic and polar, at codon 588 of the COL2A1 protein (p.Gly588Arg). This variant is not present in population databases (gnomAD no frequency). This missense change has been observed in individual(s) with COL2A1-related conditions (Invitae). In at least one individual the variant was observed to be de novo. Advanced modeling of protein sequence and biophysical properties (such as structural, functional, and spatial information, amino acid conservation, physicochemical variation, residue mobility, and thermodynamic stability) performed at Invitae indicates that this missense variant is expected to disrupt COL2A1 protein function with a positive predictive value of 95%. This variant disrupts the triple helix domain of COL2A1. Glycine residues within the Gly-Xaa-Yaa repeats of the triple helix domain are required for the structure and stability of fibrillar collagens (PMID: 7695699, 8218237, 19344236). In COL2A1, variants affecting these glycine residues are significantly enriched in individuals with disease (PMID: 9016532, 17078022) compared to the general population (ExAC). For these reasons, this variant has been classified as Pathogenic.

Literature cited by the submitters: PubMed 7695699; PubMed 8218237; PubMed 19344236; PubMed 9016532; PubMed 17078022.

NM_001844.5(COL2A1):c.1762G>A (p.Gly588Arg)

Gene: COL2A1 (collagen type II alpha 1 chain; minus strand). Cytogenetic location: 12q13.11.
Variant type: single nucleotide variant.
Coding change: c.1762G>A on transcript NM_001844.5 (MANE Select); coding-DNA position 1762, G replaced by A.
Protein change: p.Gly588Arg; replaces glycine 588 with arginine.
Molecular consequence: missense variant.
Genome position (GRCh38, 1-based): chr12:47,985,066, C>T on the plus strand (G>A on the coding strand, the complement: COL2A1 is on the minus strand). VCF-style: chr12-47985066-C-T. GRCh37 (hg19) VCF-style: chr12-48378849-C-T.
Other names: c.1555G>A, p.Gly519Arg (NM_033150.3); short protein forms G588R, G519R.
Identifiers: ClinVar variation 3653133 (VCV003653133.2).